The following is an entry in ClinVar:

ClinVar aggregate classification (germline): Uncertain significance (1 of 4 stars; one submission).

Conditions:
TMEM165-congenital disorder of glycosylation. Also called: CDG IIk; Congenital disorder of glycosylation type 2k; TMEM165-CDG. Identifiers: Orphanet 314667, MedGen C3553571, MONDO:0013870, OMIM 614727.

Submission:

Labcorp Genetics (formerly Invitae), Labcorp
Classification: Uncertain significance for TMEM165-congenital disorder of glycosylation. Last evaluated: 2023-07-14. Review status: criteria provided, single submitter. Criteria: Invitae Variant Classification Sherloc (09022015). Collection method: clinical testing. Allele origin: germline.
Comment: This variant has not been reported in the literature in individuals affected with TMEM165-related conditions. This variant is not present in population databases (gnomAD no frequency). This sequence change replaces methionine, which is neutral and non-polar, with isoleucine, which is neutral and non-polar, at codon 134 of the TMEM165 protein (p.Met134Ile). Advanced modeling of protein sequence and biophysical properties (such as structural, functional, and spatial information, amino acid conservation, physicochemical variation, residue mobility, and thermodynamic stability) performed at Invitae indicates that this missense variant is not expected to disrupt TMEM165 protein function. In summary, the available evidence is currently insufficient to determine the role of this variant in disease. Therefore, it has been classified as a Variant of Uncertain Significance.

NM_018475.5(TMEM165):c.402G>A (p.Met134Ile)

Gene: TMEM165 (transmembrane protein 165; plus strand). Cytogenetic location: 4q12.
Variant type: single nucleotide variant.
Coding change: c.402G>A on transcript NM_018475.5 (MANE Select); coding-DNA position 402, G replaced by A.
Protein change: p.Met134Ile; replaces methionine 134 with isoleucine.
Molecular consequence: missense variant. On other transcripts: non-coding transcript variant (1).
Genome position (GRCh38, 1-based): chr4:55,411,808, G>A. VCF-style: chr4-55411808-G-A. GRCh37 (hg19) VCF-style: chr4-56277975-G-A.
Other names: short protein forms M134I.
Identifiers: ClinVar variation 2912811 (VCV002912811.3), dbSNP rs2545494843, ClinGen allele CA356900384.